The following is an entry in ClinVar:

NM_001844.5(COL2A1):c.3435+83C>G

Gene: COL2A1 (collagen type II alpha 1 chain; minus strand). Cytogenetic location: 12q13.11.
Variant type: single nucleotide variant.
Coding change: c.3435+83C>G on transcript NM_001844.5 (MANE Select); 83 bases into the intron after coding-DNA position 3435, C replaced by G.
Molecular consequence: intron variant.
Genome position (GRCh38, 1-based): chr12:47,976,729, G>C on the plus strand (C>G on the coding strand, the complement: COL2A1 is on the minus strand). VCF-style: chr12-47976729-G-C. GRCh37 (hg19) VCF-style: chr12-48370512-G-C.
Other names: c.3228+83C>G (NM_033150.3).
Identifiers: ClinVar variation 1447856 (VCV001447856.6), dbSNP rs2136517622, ClinGen allele CA2573148610.

ClinVar aggregate classification (germline): Uncertain significance (1 of 4 stars; one submission).

Allele frequency attached by ClinVar (database versions not stated): gnomAD exomes below 0.00001.
gnomAD v4.1: 1 of 1,425,894 alleles (0.00007%); highest among the groups gnomAD compares: Non-Finnish European, 0.000098%; no homozygotes.

Submission:

Labcorp Genetics (formerly Invitae), Labcorp
Classification: Uncertain significance. Last evaluated: 2021-11-19. Review status: criteria provided, single submitter. Criteria: Invitae Variant Classification Sherloc (09022015). Collection method: clinical testing. Allele origin: germline.
Comment: In summary, the available evidence is currently insufficient to determine the role of this variant in disease. Therefore, it has been classified as a Variant of Uncertain Significance. Studies have shown that this variant alters mRNA splicing and is expected to lead to the loss of protein expression (PMID: 22189268). This variant has been observed in individuals with Stickler syndrome (PMID: 22189268; Invitae). This variant is not present in population databases (gnomAD no frequency). This sequence change falls in intron 48 of the COL2A1 gene. It does not directly change the encoded amino acid sequence of the COL2A1 protein.

Literature cited by the submitters: PubMed 22189268.